The following is an entry in ClinVar:

NM_002016.2(FLG):c.7975CAG[1] (p.Gln2660del)

Genes: CCDST (cervical cancer associated DHX9 suppressive transcript; plus strand), FLG (filaggrin; minus strand). Cytogenetic location: 1q21.3.
Variant type: Microsatellite.
Coding change: c.7975CAG[1] on transcript NM_002016.2 (MANE Select); one copy of the 3-base unit CAG starting at c.7975; the reference has two copies in a row; one copy, 3 bases deleted.
Protein change: p.Gln2660del; deletes glutamine 2660.
Molecular consequence: inframe deletion.
Genome position (GRCh38, 1-based): chr1:152,306,906-152,306,908, CTG deleted on the plus strand (CAG on the coding strand, the reverse complement: FLG is on the minus strand); deleting any 3 consecutive bases within chr1:152,306,906-152,306,911 gives the same sequence; the position shown is the placement nearest the transcript's 3' end. VCF-style (leftmost placement, unchanged base first): chr1-152306905-ACTG-A. GRCh37 (hg19) VCF-style: chr1-152279381-ACTG-A.
Other names: short protein forms Q2660del.
Identifiers: ClinVar variation 2639261 (VCV002639261.24), dbSNP rs757773666, ClinGen allele CA1104456.

ClinVar aggregate classification (germline): Uncertain significance (1 of 4 stars; one submission).

Submission:

CeGaT Center for Human Genetics Tuebingen
Classification: Uncertain significance. Last evaluated: 2023-10-01. Review status: criteria provided, single submitter. Criteria: CeGaT Center For Human Genetics Tuebingen Variant Classification Criteria Version 2. Collection method: clinical testing. Allele origin: germline. Affected: yes. Observed: 1 variant allele.
Comment: FLG: PM2, PM4:Supporting